The following is an entry in ClinVar:

NM_000046.5(ARSB):c.1546G>A (p.Ala516Thr)

Gene: ARSB (arylsulfatase B; minus strand). Cytogenetic location: 5q14.1.
Variant type: single nucleotide variant.
Coding change: c.1546G>A on transcript NM_000046.5 (MANE Select); coding-DNA position 1546, G replaced by A.
Protein change: p.Ala516Thr; replaces alanine 516 with threonine.
Molecular consequence: missense variant.
Genome position (GRCh38, 1-based): chr5:78,780,453, C>T on the plus strand (G>A on the coding strand, the complement: ARSB is on the minus strand). VCF-style: chr5-78780453-C-T. GRCh37 (hg19) VCF-style: chr5-78076276-C-T.
Other names: short protein forms A516T.
Identifiers: ClinVar variation 907762 (VCV000907762.6), dbSNP rs201234153, ClinGen allele CA3317962.

ClinVar aggregate classification (germline): Uncertain significance. Review status: criteria provided, multiple submitters, no conflicts (2 of 4 stars). 3 submissions from 3 submitters: Uncertain significance (3). Last evaluated 2022-08-23.

Conditions:
Mucopolysaccharidosis type 6 (MPS6). Also called: MPS 6; Maroteaux Lamy syndrome; MPS VI; ARSB DEFICIENCY; ARYLSULFATASE B DEFICIENCY; N-ACETYLGALACTOSAMINE-4-SULFATASE DEFICIENCY. Identifiers: Orphanet 583, MedGen C0026709, MONDO:0009661, OMIM 253200.

Allele frequency attached by ClinVar (database versions not stated): ExAC 0.00006; gnomAD exomes 0.00006 and 0.00033; gnomAD 0.00015 and 0.00016; TOPMed 0.00015; ESP Exome Variant Server 0.00023.
gnomAD v4.1: 500 of 1,613,996 alleles (0.031%); highest among the groups gnomAD compares: Non-Finnish European, 0.041%; no homozygotes.

Submissions (3):

Labcorp Genetics (formerly Invitae), Labcorp
Classification: Uncertain significance for Mucopolysaccharidosis type 6. Last evaluated: 2022-08-23. Review status: criteria provided, single submitter. Criteria: Invitae Variant Classification Sherloc (09022015). Collection method: clinical testing. Allele origin: germline.
Comment: This sequence change replaces alanine, which is neutral and non-polar, with threonine, which is neutral and polar, at codon 516 of the ARSB protein (p.Ala516Thr). This variant is present in population databases (rs201234153, gnomAD 0.01%). This variant has not been reported in the literature in individuals affected with ARSB-related conditions. ClinVar contains an entry for this variant (Variation ID: 907762). Advanced modeling of protein sequence and biophysical properties (such as structural, functional, and spatial information, amino acid conservation, physicochemical variation, residue mobility, and thermodynamic stability) performed at Invitae indicates that this missense variant is not expected to disrupt ARSB protein function. In summary, the available evidence is currently insufficient to determine the role of this variant in disease. Therefore, it has been classified as a Variant of Uncertain Significance.

Illumina Laboratory Services, Illumina
Classification: Uncertain significance for Mucopolysaccharidosis type 6. Last evaluated: 2018-01-13. Review status: criteria provided, single submitter. Criteria: ICSL Variant Classification Criteria 13 December 2019. Collection method: clinical testing. Allele origin: germline.

Breakthrough Genomics
Classification: Uncertain significance. Review status: criteria provided, single submitter. Criteria: ACMG Guidelines, 2015. Collection method: not provided. Allele origin: germline. Inheritance: Autosomal recessive inheritance. Affected: yes.